The following is an entry in ClinVar:

ClinVar aggregate classification (germline): Conflicting classifications of pathogenicity. Review status: criteria provided, conflicting classifications (1 of 4 stars). 4 submissions from 4 submitters: Uncertain significance (3); Likely benign (1). Last evaluated 2023-01-04.

Allele frequency attached by ClinVar (database versions not stated): gnomAD 0.00002; ExAC 0.00003; gnomAD exomes 0.00003; TOPMed 0.00003; ESP Exome Variant Server 0.00008.
gnomAD v4.1: 50 of 1,611,726 alleles (0.0031%); highest among the groups gnomAD compares: Middle Eastern, 0.033%; no homozygotes.

Submissions (4):

Blueprint Genetics
Classification: Likely benign. Last evaluated: 2023-01-04. Review status: criteria provided, single submitter. Criteria: ACMG Guidelines, 2015. Collection method: clinical testing. Allele origin: germline.

Revvity Omics, Revvity
Classification: Uncertain significance. Last evaluated: 2021-02-24. Review status: criteria provided, single submitter. Criteria: ACMG Guidelines, 2015. Collection method: clinical testing. Allele origin: germline.

Eurofins Ntd Llc (ga)
Classification: Uncertain significance. Last evaluated: 2017-05-09. Review status: criteria provided, single submitter. Criteria: EGL Classification Definitions 2015. Collection method: clinical testing. Allele origin: germline. Observed: 1 variant allele, 1 heterozygote.

Laboratory for Molecular Medicine, Mass General Brigham Personalized Medicine
Classification: Uncertain significance. Last evaluated: 2016-03-18. Review status: criteria provided, single submitter. Criteria: LMM Criteria. Collection method: clinical testing. Allele origin: germline. Observed: 1 variant allele.
Comment: The p.Arg15597Cys variant in TTN has not been previously reported in individuals with cardiomyopathy, but has been identified in 2/15394 South Asian chromosomes by the Exome Aggregation Consortium (ExAC; dbSN P rs377575788). Computational prediction tools and conservation analysis do not provide strong support for or against an impact to the protein. In summary, the clinical significance of the p.Arg15597Cys variant is uncertain.

NM_001267550.2(TTN):c.54493C>T (p.Arg18165Cys)

Genes: TTN (titin; minus strand), TTN-AS1 (TTN antisense RNA 1; plus strand). Cytogenetic location: 2q31.2.
Variant type: single nucleotide variant.
Coding change: c.54493C>T on transcript NM_001267550.2 (MANE Select); coding-DNA position 54493, C replaced by T.
Protein change: p.Arg18165Cys; replaces arginine 18165 with cysteine.
Molecular consequence: missense variant.
Genome position (GRCh38, 1-based): chr2:178,604,194, G>A on the plus strand (C>T on the coding strand, the complement: TTN is on the minus strand). VCF-style: chr2-178604194-G-A. GRCh37 (hg19) VCF-style: chr2-179468921-G-A.
Other names: c.46789C>T, p.Arg15597Cys (NM_133378.4); c.49570C>T, p.Arg16524Cys (NM_001256850.1); c.27298C>T, p.Arg9100Cys (NM_003319.4); c.27673C>T, p.Arg9225Cys (NM_133432.3); c.27874C>T, p.Arg9292Cys (NM_133437.4); short protein forms R15597C, R18165C, R16524C, R9100C, R9225C, R9292C.
Identifiers: ClinVar variation 229463 (VCV000229463.13), dbSNP rs377575788, ClinGen allele CA1993622.
Genomic context (GRCh38, chr2:178,604,194, plus strand): 5'-CTAGCATTGATCCTTTGGTGCGTGCCAAAACTTTTGGTTTTCCTGGAGGTCCAGGAAGGC[G>A]ATAAGGATCTTGAATGACTACTTTATCTGATTTGCACTCATCACTGATTCCATATTTATT-3'
Protein context (NP_001254479.2, residues 18155-18175): SDKVVIQDPY[Arg18165Cys]LPGPPGKPKV